The following is an entry in ClinVar:

ClinVar aggregate classification (germline): Uncertain significance (1 of 4 stars; one submission).

Conditions:
Deficiency of malonyl-CoA decarboxylase. Also called: Malonic aciduria; MCD deficiency. Identifiers: Orphanet 943, MedGen C0342793, MONDO:0009556, OMIM 248360.

gnomAD v4.1: 2 of 1,614,086 alleles (0.00012%); highest among the groups gnomAD compares: Non-Finnish European, 0.00017%; no homozygotes.

Submission:

Labcorp Genetics (formerly Invitae), Labcorp
Classification: Uncertain significance for Deficiency of malonyl-CoA decarboxylase. Last evaluated: 2024-10-13. Review status: criteria provided, single submitter. Criteria: Invitae Variant Classification Sherloc (09022015). Collection method: clinical testing. Allele origin: germline.
Comment: This sequence change replaces tryptophan, which is neutral and slightly polar, with cysteine, which is neutral and slightly polar, at codon 384 of the MLYCD protein (p.Trp384Cys). This variant is not present in population databases (gnomAD no frequency). This missense change has been observed in individual(s) with Malonyl-CoA decarboxylase deficiency (PMID: 31395333). Invitae Evidence Modeling of protein sequence and biophysical properties (such as structural, functional, and spatial information, amino acid conservation, physicochemical variation, residue mobility, and thermodynamic stability) indicates that this missense variant is expected to disrupt MLYCD protein function with a positive predictive value of 80%. In summary, the available evidence is currently insufficient to determine the role of this variant in disease. Therefore, it has been classified as a Variant of Uncertain Significance.

Literature cited by the submitters: PubMed 31395333.

NM_012213.3(MLYCD):c.1152G>T (p.Trp384Cys)

Gene: MLYCD (malonyl-CoA decarboxylase; plus strand). Cytogenetic location: 16q23.3.
Variant type: single nucleotide variant.
Coding change: c.1152G>T on transcript NM_012213.3 (MANE Select); coding-DNA position 1152, G replaced by T.
Protein change: p.Trp384Cys; replaces tryptophan 384 with cysteine.
Molecular consequence: missense variant.
Genome position (GRCh38, 1-based): chr16:83,915,159, G>T. VCF-style: chr16-83915159-G-T. GRCh37 (hg19) VCF-style: chr16-83948764-G-T.
Other names: short protein forms W384C.
Identifiers: ClinVar variation 3609755 (VCV003609755.2).